The following is an entry in ClinVar:

NM_000548.5(TSC2):c.4409G>T (p.Arg1470Leu)

Gene: TSC2 (TSC complex subunit 2; plus strand). Cytogenetic location: 16p13.3.
Variant type: single nucleotide variant.
Coding change: c.4409G>T on transcript NM_000548.5 (MANE Select); coding-DNA position 4409, G replaced by T.
Protein change: p.Arg1470Leu; replaces arginine 1470 with leucine.
Molecular consequence: missense variant. On other transcripts: non-coding transcript variant (5).
Genome position (GRCh38, 1-based): chr16:2,084,631, G>T. VCF-style: chr16-2084631-G-T. GRCh37 (hg19) VCF-style: chr16-2134632-G-T.
Other names: c.4208G>T, p.Arg1403Leu (NM_001077183.3); c.4340G>T, p.Arg1447Leu (NM_001114382.3); c.4100G>T, p.Arg1367Leu (NM_001318827.2); c.4064G>T, p.Arg1355Leu (NM_001318829.2); c.3677G>T, p.Arg1226Leu (NM_001318831.2); c.4241G>T, p.Arg1414Leu (NM_001318832.2); c.4211G>T, p.Arg1404Leu (NM_001363528.2); c.4277G>T, p.Arg1426Leu (NM_001370404.1); and 26 more; short protein forms R1203L, R1226L, R1354L, R1384L, R1398L, R1426L, R1427L, R1433L.
Identifiers: ClinVar variation 2994722 (VCV002994722.4), dbSNP rs1060500969, ClinGen allele CA394302067.

ClinVar aggregate classification (germline): Uncertain significance. Review status: criteria provided, multiple submitters, no conflicts (2 of 4 stars). 2 submissions from 2 submitters: Uncertain significance (2). Last evaluated 2024-06-13.

Conditions:
Hereditary cancer-predisposing syndrome. Also called: Hereditary Cancer Syndrome; Hereditary neoplastic syndrome; Neoplastic Syndromes, Hereditary; Tumor predisposition. Identifiers: Orphanet 140162, MedGen C0027672, MeSH D009386, MONDO:0015356.
Tuberous sclerosis 2 (TSC2). Identifiers: Orphanet 805, MedGen C1860707, MONDO:0013199, OMIM 613254.

gnomAD v4.1: 1 of 1,600,506 alleles (0.000062%); no homozygotes.

Submissions (2):

Labcorp Genetics (formerly Invitae), Labcorp
Classification: Uncertain significance for Tuberous sclerosis 2. Last evaluated: 2024-06-13. Review status: criteria provided, single submitter. Criteria: Invitae Variant Classification Sherloc (09022015). Collection method: clinical testing. Allele origin: germline.
Comment: This sequence change replaces arginine, which is basic and polar, with leucine, which is neutral and non-polar, at codon 1470 of the TSC2 protein (p.Arg1470Leu). This variant is not present in population databases (gnomAD no frequency). This variant has not been reported in the literature in individuals affected with TSC2-related conditions. Advanced modeling of protein sequence and biophysical properties (such as structural, functional, and spatial information, amino acid conservation, physicochemical variation, residue mobility, and thermodynamic stability) performed at Invitae indicates that this missense variant is not expected to disrupt TSC2 protein function with a negative predictive value of 95%. In summary, the available evidence is currently insufficient to determine the role of this variant in disease. Therefore, it has been classified as a Variant of Uncertain Significance.

Ambry Genetics
Classification: Uncertain significance for Hereditary cancer-predisposing syndrome. Last evaluated: 2023-12-08. Review status: criteria provided, single submitter. Criteria: Ambry Variant Classification Scheme 2023. Collection method: clinical testing. Allele origin: germline.
Comment: The p.R1470L variant (also known as c.4409G>T), located in coding exon 33 of the TSC2 gene, results from a G to T substitution at nucleotide position 4409. The arginine at codon 1470 is replaced by leucine, an amino acid with dissimilar properties. This amino acid position is conserved. In addition, this alteration is predicted to be deleterious by in silico analysis. Since supporting evidence is limited at this time, the clinical significance of this alteration remains unclear.